The following is an entry in ClinVar:

ClinVar aggregate classification (germline): Uncertain significance. Review status: criteria provided, multiple submitters, no conflicts (2 of 4 stars). 3 submissions from 3 submitters: Uncertain significance (3). Last evaluated 2026-08-19.

Conditions:
Inborn genetic diseases. Identifiers: MedGen C0950123, MeSH D030342.

Allele frequency attached by ClinVar (database versions not stated): gnomAD 0.00019 and 0.00018; gnomAD exomes 0.00004 and 0.00002; TOPMed 0.00021; ExAC 0.00008; 1000 Genomes Project 30x 0.00016; 1000 Genomes Project 0.00020; ESP Exome Variant Server 0.00054.
gnomAD v4.1: 45 of 1,614,052 alleles (0.0028%); highest among the groups gnomAD compares: African/African-American, 0.052%; no homozygotes.

Submissions (3):

GeneDx
Classification: Uncertain significance. Last evaluated: 2026-08-19. Review status: criteria provided, single submitter. Criteria: GeneDx Variant Classification Process June 2021. Collection method: clinical testing. Allele origin: germline.
Comment: In silico analysis supports that this missense variant has a deleterious effect on protein structure/function; Has not been previously published as pathogenic or benign to our knowledge

Labcorp Genetics (formerly Invitae), Labcorp
Classification: Uncertain significance. Last evaluated: 2022-08-19. Review status: criteria provided, single submitter. Criteria: Invitae Variant Classification Sherloc (09022015). Collection method: clinical testing. Allele origin: germline.
Comment: This sequence change replaces glycine, which is neutral and non-polar, with serine, which is neutral and polar, at codon 734 of the POLR3A protein (p.Gly734Ser). This variant is present in population databases (rs146265067, gnomAD 0.07%). This variant has not been reported in the literature in individuals affected with POLR3A-related conditions. ClinVar contains an entry for this variant (Variation ID: 1410403). Algorithms developed to predict the effect of missense changes on protein structure and function are either unavailable or do not agree on the potential impact of this missense change (SIFT: "Deleterious"; PolyPhen-2: "Probably Damaging"; Align-GVGD: "Class C0"). In summary, the available evidence is currently insufficient to determine the role of this variant in disease. Therefore, it has been classified as a Variant of Uncertain Significance.

Ambry Genetics
Classification: Uncertain significance for Inborn genetic diseases. Last evaluated: 2021-09-17. Review status: criteria provided, single submitter. Criteria: Ambry Variant Classification Scheme 2023. Collection method: clinical testing. Allele origin: germline.

NM_007055.4(POLR3A):c.2200G>A (p.Gly734Ser)

Gene: POLR3A (RNA polymerase III subunit A; minus strand). Cytogenetic location: 10q22.3.
Variant type: single nucleotide variant.
Coding change: c.2200G>A on transcript NM_007055.4 (MANE Select); coding-DNA position 2200, G replaced by A.
Protein change: p.Gly734Ser; replaces glycine 734 with serine.
Molecular consequence: missense variant.
Genome position (GRCh38, 1-based): chr10:78,004,763, C>T on the plus strand (G>A on the coding strand, the complement: POLR3A is on the minus strand). VCF-style: chr10-78004763-C-T. GRCh37 (hg19) VCF-style: chr10-79764521-C-T.
Other names: c.2200G>A (NM_007055.3); short protein forms G734S.
Identifiers: ClinVar variation 1410403 (VCV001410403.6), dbSNP rs146265067, ClinGen allele CA5571199.
Genomic context (GRCh38, chr10:78,004,763, plus strand): 5'-GGGCCGGGCTCACCTCCAGGGTCTCCTCAGCAGTGCAGCCAGGCTGCTGCTGCAGCTTGC[C>T]CGTGTTCAGGGCTTCGATGTACTCATCACATTTCTTGTAGCCGGCATTCAGCAACTCATA-3'
Protein context (NP_008986.2, residues 724-744): CDEYIEALNT[Gly734Ser]KLQQQPGCTA